The following is an entry in ClinVar:

NM_004995.4(MMP14):c.494C>A (p.Ala165Asp)

Gene: MMP14 (matrix metallopeptidase 14; plus strand). Cytogenetic location: 14q11.2.
Variant type: single nucleotide variant.
Coding change: c.494C>A on transcript NM_004995.4 (MANE Select); coding-DNA position 494, C replaced by A.
Protein change: p.Ala165Asp; replaces alanine 165 with aspartic acid.
Molecular consequence: missense variant.
Genome position (GRCh38, 1-based): chr14:22,842,523, C>A. VCF-style: chr14-22842523-C-A. GRCh37 (hg19) VCF-style: chr14-23311732-C-A.
Other names: c.494C>A (NM_004995.2); short protein forms A165D.
Identifiers: ClinVar variation 1423074 (VCV001423074.7), dbSNP rs144960921, ClinGen allele CA7105191.

ClinVar aggregate classification (germline): Uncertain significance. Review status: criteria provided, multiple submitters, no conflicts (2 of 4 stars). 2 submissions from 2 submitters: Uncertain significance (2). Last evaluated 2025-12-17.

Conditions:
Inborn genetic diseases. Identifiers: MedGen C0950123, MeSH D030342.

Allele frequency attached by ClinVar (database versions not stated): ExAC 0.00027; TOPMed 0.00032; gnomAD exomes 0.00033; gnomAD 0.00040; ESP Exome Variant Server 0.00077.
gnomAD v4.1: 1,188 of 1,614,026 alleles (0.074%); highest among the groups gnomAD compares: Non-Finnish European, 0.096%; no homozygotes.

Submissions (2):

Labcorp Genetics (formerly Invitae), Labcorp
Classification: Uncertain significance. Last evaluated: 2025-12-17. Review status: criteria provided, single submitter. Criteria: Invitae Variant Classification Sherloc (09022015). Collection method: clinical testing. Allele origin: germline.
Comment: This sequence change replaces alanine, which is neutral and non-polar, with aspartic acid, which is acidic and polar, at codon 165 of the MMP14 protein (p.Ala165Asp). This variant is present in population databases (rs144960921, gnomAD 0.08%), and has an allele count higher than expected for a pathogenic variant. This variant has not been reported in the literature in individuals affected with MMP14-related conditions. ClinVar contains an entry for this variant (Variation ID: 1423074). An algorithm developed to predict the effect of missense changes on protein structure and function (PolyPhen-2) suggests that this variant is likely to be tolerated. In summary, the available evidence is currently insufficient to determine the role of this variant in disease. Therefore, it has been classified as a Variant of Uncertain Significance.

Ambry Genetics
Classification: Uncertain significance for Inborn genetic diseases. Last evaluated: 2024-10-28. Review status: criteria provided, single submitter. Criteria: Ambry Variant Classification Scheme 2023. Collection method: clinical testing. Allele origin: germline.